The following is an entry in ClinVar:

ClinVar aggregate classification (germline): Uncertain significance. Review status: criteria provided, multiple submitters, no conflicts (2 of 4 stars). 3 submissions from 3 submitters: Uncertain significance (3). Last evaluated 2025-12-31.

Conditions:
Inborn genetic diseases. Identifiers: MedGen C0950123, MeSH D030342.
Benign neonatal seizures. Also called: Benign familial neonatal seizures; Benign familial neonatal epilepsy; Convulsions benign familial neonatal dominant form; Autosomal dominant form of benign neonatal seizures; Benign neonatal familial convulsions. Identifiers: Orphanet 1949, MedGen C0220669, MONDO:0016027.

Allele frequency attached by ClinVar (database versions not stated): gnomAD exomes 0.00001 and 0.00003; TOPMed 0.00001; ExAC 0.00002.
gnomAD v4.1: 7 of 1,614,162 alleles (0.00043%); highest among the groups gnomAD compares: Admixed American, 0.012%; no homozygotes.

Submissions (3):

Women's Health and Genetics/Laboratory Corporation of America, LabCorp
Classification: Uncertain significance. Last evaluated: 2025-12-31. Review status: criteria provided, single submitter. Criteria: LabCorp Variant Classification Summary - May 2015. Collection method: clinical testing. Allele origin: germline.
Comment: Variant summary: KCNQ3 c.1404T>G (p.Asn468Lys) results in a non-conservative amino acid change in the encoded protein sequence. Algorithms developed to predict the effect of missense changes on protein structure and function all suggest that this variant is likely to be disruptive. The variant allele was found at a frequency of 2.8e-05 in 251478 control chromosomes. The available data on variant occurrences in the general population are insufficient to allow any conclusion about variant significance. To our knowledge, no occurrence of c.1404T>G in individuals affected with KCNQ3-related conditions and no experimental evidence demonstrating its impact on protein function have been reported. ClinVar contains an entry for this variant (Variation ID: 946362). Based on the evidence outlined above, the variant was classified as uncertain significance.

Ambry Genetics
Classification: Uncertain significance for Inborn genetic diseases. Last evaluated: 2025-05-14. Review status: criteria provided, single submitter. Criteria: Ambry Variant Classification Scheme 2023. Collection method: clinical testing. Allele origin: germline.

Labcorp Genetics (formerly Invitae), Labcorp
Classification: Uncertain significance for Benign neonatal seizures. Last evaluated: 2025-04-11. Review status: criteria provided, single submitter. Criteria: Invitae Variant Classification Sherloc (09022015). Collection method: clinical testing. Allele origin: germline.
Comment: This sequence change replaces asparagine, which is neutral and polar, with lysine, which is basic and polar, at codon 468 of the KCNQ3 protein (p.Asn468Lys). This variant is present in population databases (rs754462752, gnomAD 0.02%). This variant has not been reported in the literature in individuals affected with KCNQ3-related conditions. ClinVar contains an entry for this variant (Variation ID: 946362). Invitae Evidence Modeling of protein sequence and biophysical properties (such as structural, functional, and spatial information, amino acid conservation, physicochemical variation, residue mobility, and thermodynamic stability) indicates that this missense variant is not expected to disrupt KCNQ3 protein function with a negative predictive value of 80%. In summary, the available evidence is currently insufficient to determine the role of this variant in disease. Therefore, it has been classified as a Variant of Uncertain Significance.

NM_004519.4(KCNQ3):c.1404T>G (p.Asn468Lys)

Gene: KCNQ3 (potassium voltage-gated channel subfamily Q member 3; minus strand). Cytogenetic location: 8q24.22.
Variant type: single nucleotide variant.
Coding change: c.1404T>G on transcript NM_004519.4 (MANE Select); coding-DNA position 1404, T replaced by G.
Protein change: p.Asn468Lys; replaces asparagine 468 with lysine.
Molecular consequence: missense variant.
Genome position (GRCh38, 1-based): chr8:132,141,190, A>C on the plus strand (T>G on the coding strand, the complement: KCNQ3 is on the minus strand). VCF-style: chr8-132141190-A-C. GRCh37 (hg19) VCF-style: chr8-133153437-A-C.
Other names: c.1044T>G, p.Asn348Lys (NM_001204824.2); short protein forms N348K, N468K.
Identifiers: ClinVar variation 946362 (VCV000946362.11), dbSNP rs754462752, ClinGen allele CA4880710.